The following is an entry in ClinVar:

NM_022089.4(ATP13A2):c.2381T>C (p.Met794Thr)

Gene: ATP13A2 (ATPase cation transporting 13A2; minus strand). Cytogenetic location: 1p36.13.
Variant type: single nucleotide variant.
Coding change: c.2381T>C on transcript NM_022089.4 (MANE Select); coding-DNA position 2381, T replaced by C.
Protein change: p.Met794Thr; replaces methionine 794 with threonine.
Molecular consequence: missense variant.
Genome position (GRCh38, 1-based): chr1:16,990,158, A>G on the plus strand (T>C on the coding strand, the complement: ATP13A2 is on the minus strand). VCF-style: chr1-16990158-A-G. GRCh37 (hg19) VCF-style: chr1-17316653-A-G.
Other names: c.2366T>C, p.Met789Thr (NM_001141973.3, NM_001141974.3); short protein forms M794T, M789T.
Identifiers: ClinVar variation 293781 (VCV000293781.8), dbSNP rs151222153, ClinGen allele CA636862.

ClinVar aggregate classification (germline): Uncertain significance. Review status: criteria provided, multiple submitters, no conflicts (2 of 4 stars). 2 submissions from 2 submitters: Uncertain significance (2). Last evaluated 2025-06-20.

Conditions:
Autosomal recessive spastic paraplegia type 78. Identifiers: Orphanet 513436, MedGen C5567893, MONDO:0014975, OMIM 617225.
Kufor-Rakeb syndrome (KRS). Also called: PARKINSON DISEASE 9, AUTOSOMAL RECESSIVE, JUVENILE-ONSET. Identifiers: Orphanet 306674, Orphanet 314632, MedGen C1847640, MONDO:0011706, OMIM 606693.

Allele frequency attached by ClinVar (database versions not stated): gnomAD 0.00001; gnomAD exomes 0.00002 and 0.00007; TOPMed 0.00002; ESP Exome Variant Server 0.00008; ExAC 0.00012.
gnomAD v4.1: 34 of 1,613,980 alleles (0.0021%); highest among the groups gnomAD compares: Middle Eastern, 0.016%; no homozygotes.

Submissions (2):

Labcorp Genetics (formerly Invitae), Labcorp
Classification: Uncertain significance for Kufor-Rakeb syndrome; Autosomal recessive spastic paraplegia type 78. Last evaluated: 2025-06-20. Review status: criteria provided, single submitter. Criteria: Invitae Variant Classification Sherloc (09022015). Collection method: clinical testing. Allele origin: germline.
Comment: This sequence change replaces methionine, which is neutral and non-polar, with threonine, which is neutral and polar, at codon 794 of the ATP13A2 protein (p.Met794Thr). This variant is present in population databases (rs151222153, gnomAD 0.01%). This variant has not been reported in the literature in individuals affected with ATP13A2-related conditions. ClinVar contains an entry for this variant (Variation ID: 293781). Invitae Evidence Modeling of protein sequence and biophysical properties (such as structural, functional, and spatial information, amino acid conservation, physicochemical variation, residue mobility, and thermodynamic stability) indicates that this missense variant is not expected to disrupt ATP13A2 protein function with a negative predictive value of 80%. In summary, the available evidence is currently insufficient to determine the role of this variant in disease. Therefore, it has been classified as a Variant of Uncertain Significance.

Illumina Laboratory Services, Illumina
Classification: Uncertain significance for Kufor-Rakeb syndrome. Last evaluated: 2018-01-13. Review status: criteria provided, single submitter. Criteria: ICSL Variant Classification Criteria 13 December 2019. Collection method: clinical testing. Allele origin: germline.